The following is an entry in ClinVar:

ClinVar aggregate classification (germline): Uncertain significance (1 of 4 stars; one submission).

Conditions:
Wiskott-Aldrich syndrome 2 (WAS2). Also called: WIPF1 DEFICIENCY. Identifiers: Orphanet 906, MedGen C3281001, MONDO:0013779, OMIM 614493.

Allele frequency attached by ClinVar (database versions not stated): TOPMed 0.00002; gnomAD exomes 0.00001.
gnomAD v4.1: 71 of 1,613,850 alleles (0.0044%); highest among the groups gnomAD compares: Non-Finnish European, 0.0058%; no homozygotes.

Submission:

Labcorp Genetics (formerly Invitae), Labcorp
Classification: Uncertain significance for Wiskott-Aldrich syndrome 2. Last evaluated: 2022-05-17. Review status: criteria provided, single submitter. Criteria: Invitae Variant Classification Sherloc (09022015). Collection method: clinical testing. Allele origin: germline.
Comment: This sequence change replaces asparagine, which is neutral and polar, with tyrosine, which is neutral and polar, at codon 26 of the WIPF1 protein (p.Asn26Tyr). This variant is present in population databases (rs774985492, gnomAD 0.002%). This variant has not been reported in the literature in individuals affected with WIPF1-related conditions. ClinVar contains an entry for this variant (Variation ID: 851166). Algorithms developed to predict the effect of missense changes on protein structure and function are either unavailable or do not agree on the potential impact of this missense change (SIFT: "Not Available"; PolyPhen-2: "Possibly Damaging"; Align-GVGD: "Not Available"). In summary, the available evidence is currently insufficient to determine the role of this variant in disease. Therefore, it has been classified as a Variant of Uncertain Significance.

NM_001375834.1(WIPF1):c.76A>T (p.Asn26Tyr)

Genes: WIPF1 (WAS/WASL interacting protein family member 1; minus strand), WIPF1-AS1 (WIPF1 and CHRNA1 antisense RNA 1; plus strand). Cytogenetic location: 2q31.1.
Variant type: single nucleotide variant.
Coding change: c.76A>T on transcript NM_001375834.1 (MANE Select); coding-DNA position 76, A replaced by T.
Protein change: p.Asn26Tyr; replaces asparagine 26 with tyrosine.
Molecular consequence: missense variant.
Genome position (GRCh38, 1-based): chr2:174,581,415, T>A on the plus strand (A>T on the coding strand, the complement: WIPF1 is on the minus strand). VCF-style: chr2-174581415-T-A. GRCh37 (hg19) VCF-style: chr2-175446143-T-A.
Other names: c.76A>T, p.Asn26Tyr (NM_001077269.1, NM_001375832.1, NM_001375833.1 and 6 more transcripts); short protein forms N26Y.
Identifiers: ClinVar variation 851166 (VCV000851166.7), dbSNP rs774985492, ClinGen allele CA61163992.
Genomic context (GRCh38, chr2:174,581,415, plus strand): 5'-GTTTCTTCCCTTTGCTGATATCAGAAAGGAGAGCATTTCTCCCAGCCTGCTCTGTCTTAT[T>A]CAAGGTAGGCTTCTCTGTATTGGCCTGAAAGGGAGCCATACAAACAAGTAGTCATCTCTT-3'
Protein context (NP_001362763.1, residues 16-36): ALANTEKPTL[Asn26Tyr]KTEQAGRNAL